The following is an entry in ClinVar:

NM_004336.5(BUB1):c.706A>G (p.Met236Val)

Gene: BUB1 (BUB1 mitotic checkpoint serine/threonine kinase; minus strand). Cytogenetic location: 2q13.
Variant type: single nucleotide variant.
Coding change: c.706A>G on transcript NM_004336.5 (MANE Select); coding-DNA position 706, A replaced by G.
Protein change: p.Met236Val; replaces methionine 236 with valine.
Molecular consequence: missense variant.
Genome position (GRCh38, 1-based): chr2:110,667,620, T>C on the plus strand (A>G on the coding strand, the complement: BUB1 is on the minus strand). VCF-style: chr2-110667620-T-C. GRCh37 (hg19) VCF-style: chr2-111425197-T-C.
Other names: c.646A>G, p.Met216Val (NM_001278616.2); c.706A>G, p.Met236Val (NM_001278617.2); short protein forms M216V, M236V.
Identifiers: ClinVar variation 1756983 (VCV001756983.2), dbSNP rs1389987904, ClinGen allele CA348217781.
Genomic context (GRCh38, chr2:110,667,620, plus strand): 5'-CTCTCAATTCTTCAAAGGAAAATTCTGATTCCCCACGAATAAGCTTCTCCTTGCAATACA[T>C]AACAACCTGCTCAACATCAACTTTGGATGCCAAAGATGAGTGCACAGAATATTCTGATTT-3'
Protein context (NP_004327.1, residues 226-246): ASKVDVEQVV[Met236Val]YCKEKLIRGE

ClinVar aggregate classification (germline): Uncertain significance (1 of 4 stars; one submission).

Allele frequency attached by ClinVar (database versions not stated): TOPMed below 0.00001; gnomAD exomes 0.00001.

Submission:

Ambry Genetics
Classification: Uncertain significance. Last evaluated: 2022-07-27. Review status: criteria provided, single submitter. Criteria: Ambry Variant Classification Scheme 2023. Collection method: clinical testing. Allele origin: germline.
Comment: The p.M236V variant (also known as c.706A>G), located in coding exon 8 of the BUB1 gene, results from an A to G substitution at nucleotide position 706. The methionine at codon 236 is replaced by valine, an amino acid with highly similar properties. This amino acid position is conserved. In addition, the in silico prediction for this alteration is inconclusive. Since supporting evidence is limited at this time, the clinical significance of this alteration remains unclear.